The following is an entry in ClinVar:

NM_139076.3(ABRAXAS1):c.342G>C (p.Glu114Asp)

Gene: ABRAXAS1 (abraxas 1, BRCA1 A complex subunit; minus strand). Cytogenetic location: 4q21.23.
Variant type: single nucleotide variant.
Coding change: c.342G>C on transcript NM_139076.3 (MANE Select); coding-DNA position 342, G replaced by C.
Protein change: p.Glu114Asp; replaces glutamic acid 114 with aspartic acid.
Molecular consequence: missense variant.
Genome position (GRCh38, 1-based): chr4:83,470,337, C>G on the plus strand (G>C on the coding strand, the complement: ABRAXAS1 is on the minus strand). VCF-style: chr4-83470337-C-G. GRCh37 (hg19) VCF-style: chr4-84391490-C-G.
Other names: c.15G>C, p.Glu5Asp (NM_001345962.2); short protein forms E114D, E5D.
Identifiers: ClinVar variation 1055196 (VCV001055196.11), dbSNP rs1722533185, ClinGen allele CA357260057.

ClinVar aggregate classification (germline): Uncertain significance. Review status: criteria provided, multiple submitters, no conflicts (2 of 4 stars). 2 submissions from 2 submitters: Uncertain significance (2). Last evaluated 2022-10-09.

Submissions (2):

Ambry Genetics
Classification: Uncertain significance. Last evaluated: 2022-10-09. Review status: criteria provided, single submitter. Criteria: Ambry Variant Classification Scheme 2023. Collection method: clinical testing. Allele origin: germline.
Comment: The p.E114D variant (also known as c.342G>C), located in coding exon 5 of the FAM175A gene, results from a G to C substitution at nucleotide position 342. The glutamic acid at codon 114 is replaced by aspartic acid, an amino acid with highly similar properties. This amino acid position is conserved. In addition, the in silico prediction for this alteration is inconclusive. Since supporting evidence is limited at this time, the clinical significance of this alteration remains unclear.

Labcorp Genetics (formerly Invitae), Labcorp
Classification: Uncertain significance. Last evaluated: 2022-05-12. Review status: criteria provided, single submitter. Criteria: Invitae Variant Classification Sherloc (09022015). Collection method: clinical testing. Allele origin: germline.
Comment: Algorithms developed to predict the effect of missense changes on protein structure and function are either unavailable or do not agree on the potential impact of this missense change (SIFT: "Deleterious"; PolyPhen-2: "Probably Damaging"; Align-GVGD: "Class C0"). This sequence change replaces glutamic acid, which is acidic and polar, with aspartic acid, which is acidic and polar, at codon 114 of the ABRAXAS1 protein (p.Glu114Asp). This variant is not present in population databases (gnomAD no frequency). This variant has not been reported in the literature in individuals affected with ABRAXAS1-related conditions. ClinVar contains an entry for this variant (Variation ID: 1055196). In summary, the available evidence is currently insufficient to determine the role of this variant in disease. Therefore, it has been classified as a Variant of Uncertain Significance.